The following is an entry in ClinVar:

ClinVar aggregate classification (germline): Uncertain significance (1 of 4 stars; one submission).

Submission:

Labcorp Genetics (formerly Invitae), Labcorp
Classification: Uncertain significance. Last evaluated: 2018-09-20. Review status: criteria provided, single submitter. Criteria: Invitae Variant Classification Sherloc (09022015). Collection method: clinical testing. Allele origin: germline.
Comment: In summary, the available evidence is currently insufficient to determine the role of this variant in disease. Therefore, it has been classified as a Variant of Uncertain Significance. Algorithms developed to predict the effect of missense changes on protein structure and function are either unavailable or do not agree on the potential impact of this missense change (SIFT: "Deleterious"; PolyPhen-2: "Possibly Damaging"; Align-GVGD: "Class C15"). This variant has not been reported in the literature in individuals with MTOR-related disease. This sequence change replaces glutamic acid with lysine at codon 819 of the MTOR protein (p.Glu819Lys). The glutamic acid residue is highly conserved and there is a small physicochemical difference between glutamic acid and lysine. This variant is not present in population databases (ExAC no frequency).

NM_004958.4(MTOR):c.2455G>A (p.Glu819Lys)

Gene: MTOR (mechanistic target of rapamycin kinase; minus strand). Cytogenetic location: 1p36.22.
Variant type: single nucleotide variant.
Coding change: c.2455G>A on transcript NM_004958.4 (MANE Select); coding-DNA position 2455, G replaced by A.
Protein change: p.Glu819Lys; replaces glutamic acid 819 with lysine.
Molecular consequence: missense variant.
Genome position (GRCh38, 1-based): chr1:11,232,495, C>T on the plus strand (G>A on the coding strand, the complement: MTOR is on the minus strand). VCF-style: chr1-11232495-C-T. GRCh37 (hg19) VCF-style: chr1-11292552-C-T.
Other names: c.2455G>A (LRG_734t1); short protein forms E819K.
Identifiers: ClinVar variation 646132 (VCV000646132.8), dbSNP rs1569704194, ClinGen allele CA338383570.